The following is an entry in ClinVar:

NM_000138.5(FBN1):c.1714G>A (p.Asp572Asn)

Gene: FBN1 (fibrillin 1; minus strand). Cytogenetic location: 15q21.1.
Variant type: single nucleotide variant.
Coding change: c.1714G>A on transcript NM_000138.5 (MANE Select); coding-DNA position 1714, G replaced by A.
Protein change: p.Asp572Asn; replaces aspartic acid 572 with asparagine.
Molecular consequence: missense variant.
Genome position (GRCh38, 1-based): chr15:48,510,044, C>T on the plus strand (G>A on the coding strand, the complement: FBN1 is on the minus strand). VCF-style: chr15-48510044-C-T. GRCh37 (hg19) VCF-style: chr15-48802241-C-T.
Other names: short protein forms D572N.
Identifiers: ClinVar variation 1373971 (VCV001373971.6), dbSNP rs2141323230, ClinGen allele CA392340896.

ClinVar aggregate classification (germline): Uncertain significance (1 of 4 stars; one submission).

Conditions:
Marfan syndrome (MFS). Also called: Marfan syndrome type 1; Marfan's syndrome; FBN1-Related Marfan Syndrome; MARFAN SYNDROME, TYPE I; Marfan syndrome, classic. Identifiers: Orphanet 284963, Orphanet 558, MedGen C0024796, MONDO:0007947, OMIM 154700.
Familial thoracic aortic aneurysm and aortic dissection (TAAD). Also called: Thoracic aortic aneurysms and dissections. Identifiers: Orphanet 91387, MedGen C4707243, MONDO:0019625.

Submission:

Labcorp Genetics (formerly Invitae), Labcorp
Classification: Uncertain significance for Marfan syndrome; Familial thoracic aortic aneurysm and aortic dissection. Last evaluated: 2025-08-29. Review status: criteria provided, single submitter. Criteria: Invitae Variant Classification Sherloc (09022015). Collection method: clinical testing. Allele origin: germline.
Comment: This sequence change replaces aspartic acid, which is acidic and polar, with asparagine, which is neutral and polar, at codon 572 of the FBN1 protein (p.Asp572Asn). This variant also falls at the last nucleotide of exon 14, which is part of the consensus splice site for this exon. This variant is not present in population databases (gnomAD no frequency). This missense change has been observed in individual(s) with FBN1-related conditions (internal data). ClinVar contains an entry for this variant (Variation ID: 1373971). An algorithm developed to predict the effect of missense changes on protein structure and function (PolyPhen-2) suggests that this variant is likely to be disruptive. Variants that disrupt the consensus splice site are a relatively common cause of aberrant splicing (PMID: 17576681, 9536098). Algorithms developed to predict the effect of sequence changes on RNA splicing suggest that this variant may disrupt the consensus splice site. This variant disrupts the p.Asp572 amino acid residue in FBN1. Other variant(s) that disrupt this residue have been observed in individuals with FBN1-related conditions (PMID: 25652356, 34550612), which suggests that this may be a clinically significant amino acid residue. In summary, the available evidence is currently insufficient to determine the role of this variant in disease. Therefore, it has been classified as a Variant of Uncertain Significance.

Literature cited by the submitters: PubMed 17576681; PubMed 9536098; PubMed 25652356; PubMed 34550612.